The following is an entry in ClinVar:

NM_012280.4(FTSJ1):c.189C>G (p.Ile63Met)

Gene: FTSJ1 (FtsJ RNA 2'-O-methyltransferase 1; plus strand). Cytogenetic location: Xp11.23.
Variant type: single nucleotide variant.
Coding change: c.189C>G on transcript NM_012280.4 (MANE Select); coding-DNA position 189, C replaced by G.
Protein change: p.Ile63Met; replaces isoleucine 63 with methionine.
Molecular consequence: missense variant. On other transcripts: intron variant (1).
Genome position (GRCh38, 1-based): chrX:48,478,516, C>G. VCF-style: chrX-48478516-C-G. GRCh37 (hg19) VCF-style: chrX-48336904-C-G.
Other names: c.189C>G, p.Ile63Met (NM_001441195.1, NM_001441196.1, NM_001441197.1 and 4 more transcripts); c.-76-522C>G (NM_001282157.2); short protein forms I63M.
Identifiers: ClinVar variation 2576724 (VCV002576724.1), dbSNP rs782770247, ClinGen allele CA10402487.

ClinVar aggregate classification (germline): Uncertain significance (1 of 4 stars; one submission).

Allele frequency attached by ClinVar (database versions not stated): TOPMed 0.00001; ExAC 0.00002.
gnomAD v4.1: 4 of 1,207,420 alleles (0.00033%); highest among the groups gnomAD compares: Admixed American, 0.0044%; no homozygotes.

Submission:

GeneDx
Classification: Uncertain significance. Last evaluated: 2023-02-17. Review status: criteria provided, single submitter. Criteria: GeneDx Variant Classification Process June 2021. Collection method: clinical testing. Allele origin: germline. Affected: yes.
Comment: In silico analysis supports that this missense variant does not alter protein structure/function; Has not been previously published as pathogenic or benign to our knowledge